The following continues an entry in ClinVar:

NM_000059.4(BRCA2):c.5609_5610delinsAG (p.Phe1870Ter)

Gene: BRCA2. ClinVar aggregate classification (germline): Pathogenic. Pathogenic (1).

Submissions 9 to 19 of 19:

Women's Health and Genetics/Laboratory Corporation of America, LabCorp
Classification: Pathogenic for Hereditary breast ovarian cancer syndrome. Last evaluated: 2023-04-21. Review status: criteria provided, single submitter. Criteria: LabCorp Variant Classification Summary - May 2015. Collection method: clinical testing. Allele origin: germline. Not counted in ClinVar's aggregate classification.
Comment: Variant summary: BRCA2 c.5609_5610delinsAG (p.Phe1870X) results in a premature termination codon, predicted to cause a truncation of the encoded protein or absence of the protein due to nonsense mediated decay, which are commonly known mechanisms for disease. Variants downstream of this position have been classified as pathogenic by our laboratory. The variant was absent in 247384 control chromosomes. c.5609_5610delinsAG has been reported in the literature in individuals and families affected with Hereditary Breast And Ovarian Cancer Syndrome (Becker_2012, Novakovic_2012, Stegel_2011, Tea_2014) and observed in a compound heterozygous Fanconi Anemia patient (Howlett_2002). These data indicate that the variant is very likely to be associated with disease. To our knowledge, no experimental evidence demonstrating an impact on protein function has been reported. 12 clinical diagnostic laboratories have submitted clinical-significance assessments for this variant to ClinVar after 2014 without evidence for independent evaluation. All laboratories classified the variant as pathogenic. Based on the evidence outlined above, the variant was classified as pathogenic.

Baylor Genetics
Classification: Pathogenic for Familial cancer of breast. Last evaluated: 2022-06-21. Review status: criteria provided, single submitter. Criteria: ACMG Guidelines, 2015. Collection method: clinical testing. Allele origin: unknown. Not counted in ClinVar's aggregate classification.

MGZ Medical Genetics Center
Classification: Pathogenic for Breast-ovarian cancer, familial, susceptibility to, 2. Last evaluated: 2021-09-14. Review status: criteria provided, single submitter. Criteria: ACMG Guidelines, 2015. Collection method: clinical testing. Allele origin: germline. Affected: yes. Observed: 1 variant allele. Not counted in ClinVar's aggregate classification.
Comment: ACMG criteria applied: PVS1, PS4, PM2_SUP

Department of Pathology and Laboratory Medicine, Sinai Health System
Classification: Pathogenic for BRCA2-related cancer predisposition. Last evaluated: 2021-03-23. Review status: criteria provided, single submitter. Criteria: ACMG Guidelines, 2015. Collection method: clinical testing. Allele origin: germline. Affected: no. Not counted in ClinVar's aggregate classification.

Department of Molecular Diagnostics, Institute of Oncology Ljubljana
Classification: Pathogenic for Breast-ovarian cancer, familial, susceptibility to, 1. Last evaluated: 2020-04-02. Review status: criteria provided, single submitter. Criteria: ACMG Guidelines, 2015. Collection method: clinical testing. Allele origin: germline. Affected: yes. Not counted in ClinVar's aggregate classification.

Centre for Mendelian Genomics, University Medical Centre Ljubljana
Classification: Pathogenic for Breast-ovarian cancer, familial, susceptibility to, 2. Last evaluated: 2020-03-05. Review status: criteria provided, single submitter. Criteria: ACMG Guidelines, 2015. Collection method: clinical testing. Allele origin: unknown. Affected: yes. Not counted in ClinVar's aggregate classification.
Comment: This variant was classified as: Pathogenic. The following ACMG criteria were applied in classifying this variant: PVS1,PM2,PP5.

PreventionGenetics, part of Exact Sciences
Classification: Pathogenic. Last evaluated: 2017-03-21. Review status: criteria provided, single submitter. Criteria: ACMG Guidelines, 2015. Collection method: clinical testing. Allele origin: germline. Not counted in ClinVar's aggregate classification.

Consortium of Investigators of Modifiers of BRCA1/2 (CIMBA), c/o University of Cambridge
Classification: Pathogenic for Breast-ovarian cancer, familial, susceptibility to, 2. Last evaluated: 2015-10-02. Review status: criteria provided, single submitter. Criteria: CIMBA Mutation Classification guidelines May 2016. Collection method: clinical testing. Allele origin: germline. Not counted in ClinVar's aggregate classification.

Ambry Genetics
Classification: Pathogenic for Tumor susceptibility linked to germline BAP1 mutations. Last evaluated: 2015-06-29. Review status: criteria provided, single submitter. Criteria: Ambry Autosomal Dominant and X-Linked criteria (10/2015). Collection method: clinical testing. Allele origin: germline. Observed: 1 variant allele. Not counted in ClinVar's aggregate classification.
Comment: The c.5609_5610delTCinsAG pathogenic mutation (also known as p.F1870* and 5837TC>AG), located in coding exon 10 of the BRCA2 gene, results from the deletion and insertion of 2 nucleotides at positions 5609 and 5610. This changes the amino acid at codon 1870 from a phenylalanine to a stop codon. This mutation has been reported in multiple hereditary breast and ovarian cancer (HBOC) syndrome families to date (Stegel et al. BMC Med Genet. 2011 Jan 14;12:9; Becker et al. Breast Cancer Res Treat. 2012 Aug;135(1):167-75; Tea MK et al. Maturitas. 2014 Jan;77(1):68-72) and in an individual with Fanconi Anemia (Howlett et al. Science. 2002 Jul 26;297(5581):606-9). In addition to the clinical data presented in the literature, since premature stop codons are typically deleterious in nature, this alteration is interpreted as a disease-causing mutation (ACMG Recommendations for Standards for Interpretation and Reporting of Sequence Variations. Revision 2007. Genet Med. 2008;10:294).

Breast Cancer Information Core (BIC) (BRCA2)
Classification: Pathogenic for Breast-ovarian cancer, familial 2. Last evaluated: 2004-02-20. Review status: no assertion criteria provided. Collection method: clinical testing. Allele origin: germline. Affected: yes. Observed: 3 variant alleles. Not counted in ClinVar's aggregate classification.

OMIM
Classification: Pathogenic for FANCONI ANEMIA, COMPLEMENTATION GROUP D1. Last evaluated: 2002-07-26. Review status: no assertion criteria provided. Collection method: literature only. Allele origin: germline. Not counted in ClinVar's aggregate classification.

Literature cited by the submitters: PubMed 20104584 (cited by Labcorp Genetics (formerly Invitae), Labcorp); PubMed 12065746 (cited by 7 submitters); PubMed 21232165 (cited by 6 submitters); PubMed 22729890 (cited by 6 submitters); PubMed 22923021 (cited by 3 submitters); PubMed 24156927 (cited by 5 submitters); PubMed 33471991 (cited by Quest Diagnostics Nichols Institute San Juan Capistrano and Color Diagnostics, LLC DBA Color Health); PubMed 29446198 (cited by Quest Diagnostics Nichols Institute San Juan Capistrano); PubMed 30322717 (cited by Quest Diagnostics Nichols Institute San Juan Capistrano); PubMed 32341426 (cited by Quest Diagnostics Nichols Institute San Juan Capistrano); PubMed 28324225 (cited by 4 submitters); PubMed 36721989 (cited by Quest Diagnostics Nichols Institute San Juan Capistrano); PubMed 34680878 (cited by Quest Diagnostics Nichols Institute San Juan Capistrano and Color Diagnostics, LLC DBA Color Health); PubMed 26295337 (cited by Quest Diagnostics Nichols Institute San Juan Capistrano); PubMed 18284688 (cited by Color Diagnostics, LLC DBA Color Health); PubMed 31853058 (cited by Color Diagnostics, LLC DBA Color Health).